The following is an entry in ClinVar:

ClinVar aggregate classification (germline): Uncertain significance. Review status: criteria provided, multiple submitters, no conflicts (2 of 4 stars). 2 submissions from 2 submitters: Uncertain significance (2). Last evaluated 2024-06-04.

Conditions:
Developmental and epileptic encephalopathy, 66. Also called: EPILEPTIC ENCEPHALOPATHY, EARLY INFANTILE, 66. Identifiers: MedGen C4748070, MONDO:0054845, OMIM 618067.

Allele frequency attached by ClinVar (database versions not stated): gnomAD 0.00001; TOPMed 0.00001; ExAC 0.00002; gnomAD exomes 0.00002.
gnomAD v4.1: 27 of 1,612,566 alleles (0.0017%); highest among the groups gnomAD compares: Non-Finnish European, 0.0023%; no homozygotes.

Submissions (2):

Labcorp Genetics (formerly Invitae), Labcorp
Classification: Uncertain significance. Last evaluated: 2024-06-04. Review status: criteria provided, single submitter. Criteria: Invitae Variant Classification Sherloc (09022015). Collection method: clinical testing. Allele origin: germline.
Comment: This sequence change replaces glycine, which is neutral and non-polar, with glutamic acid, which is acidic and polar, at codon 86 of the PACS2 protein (p.Gly86Glu). This variant is present in population databases (rs782278862, gnomAD 0.003%). This variant has not been reported in the literature in individuals affected with PACS2-related conditions. ClinVar contains an entry for this variant (Variation ID: 1349224). An algorithm developed to predict the effect of missense changes on protein structure and function (PolyPhen-2) suggests that this variant is likely to be disruptive. In summary, the available evidence is currently insufficient to determine the role of this variant in disease. Therefore, it has been classified as a Variant of Uncertain Significance.

Department of Pathology and Laboratory Medicine, Sinai Health System
Classification: Uncertain significance for Developmental and epileptic encephalopathy, 66. Last evaluated: 2022-05-26. Review status: criteria provided, single submitter. Criteria: ACMG Guidelines, 2015. Collection method: research. Allele origin: germline.

NM_001100913.3(PACS2):c.257G>A (p.Gly86Glu)

Gene: PACS2 (phosphofurin acidic cluster sorting protein 2; plus strand). Cytogenetic location: 14q32.33.
Variant type: single nucleotide variant.
Coding change: c.257G>A on transcript NM_001100913.3 (MANE Select); coding-DNA position 257, G replaced by A.
Protein change: p.Gly86Glu; replaces glycine 86 with glutamic acid.
Molecular consequence: missense variant.
Genome position (GRCh38, 1-based): chr14:105,352,427, G>A. VCF-style: chr14-105352427-G-A. GRCh37 (hg19) VCF-style: chr14-105818764-G-A.
Other names: c.56G>A, p.Gly19Glu (NM_001243127.3); c.257G>A, p.Gly86Glu (NM_015197.4); short protein forms G19E, G86E.
Identifiers: ClinVar variation 1349224 (VCV001349224.7), dbSNP rs782278862, ClinGen allele CA7388307.